The following is an entry in ClinVar:

NM_000268.4(NF2):c.1123A>G (p.Met375Val)

Gene: NF2 (NF2, moesin-ezrin-radixin like (MERLIN) tumor suppressor; plus strand). Cytogenetic location: 22q12.2.
Variant type: single nucleotide variant.
Coding change: c.1123A>G on transcript NM_000268.4 (MANE Select); coding-DNA position 1123, A replaced by G.
Protein change: p.Met375Val; replaces methionine 375 with valine.
Molecular consequence: missense variant. On other transcripts: non-coding transcript variant (1), intron variant (1).
Genome position (GRCh38, 1-based): chr22:29,673,269, A>G. VCF-style: chr22-29673269-A-G. GRCh37 (hg19) VCF-style: chr22-30069258-A-G.
Other names: c.1123A>G, p.Met375Val (NM_016418.5, NM_181825.3, NM_181832.3); c.997A>G, p.Met333Val (NM_181828.3); c.1000A>G, p.Met334Val (NM_181829.3); c.874A>G, p.Met292Val (NM_181830.3, NM_181831.3); c.448-21483A>G (NM_181833.3); short protein forms M333V, M334V, M292V, M375V.
Identifiers: ClinVar variation 1392495 (VCV001392495.10), dbSNP rs2147082175, ClinGen allele CA411147957.

ClinVar aggregate classification (germline): Uncertain significance. Review status: criteria provided, multiple submitters, no conflicts (2 of 4 stars). 2 submissions from 2 submitters: Uncertain significance (2). Last evaluated 2025-07-16.

Conditions:
Neurofibromatosis, type 2 (SWNV). Also called: BILATERAL ACOUSTIC NEUROFIBROMATOSIS; NF2-Related Schwannomatosis; SCHWANNOMATOSIS, VESTIBULAR. Identifiers: Orphanet 637, MedGen C0027832, MONDO:0007039, OMIM 101000. Disease mechanism: loss of function.
Hereditary cancer-predisposing syndrome. Also called: Tumor predisposition; Neoplastic Syndromes, Hereditary; Hereditary Cancer Syndrome; Hereditary neoplastic syndrome. Identifiers: Orphanet 140162, MedGen C0027672, MeSH D009386, MONDO:0015356.

Allele frequency attached by ClinVar (database versions not stated): gnomAD exomes below 0.00001.
gnomAD v4.1: 3 of 1,566,706 alleles (0.00019%); highest among the groups gnomAD compares: Non-Finnish European, 0.00026%; no homozygotes.

Submissions (2):

Ambry Genetics
Classification: Uncertain significance for Hereditary cancer-predisposing syndrome. Last evaluated: 2025-07-16. Review status: criteria provided, single submitter. Criteria: Ambry Variant Classification Scheme 2023. Collection method: clinical testing. Allele origin: germline.
Comment: The p.M375V variant (also known as c.1123A>G) is located in coding exon 12 of the NF2 gene. The methionine at codon 375 is replaced by valine, an amino acid with highly similar properties. This change occurs in the first base pair of coding exon 12. This amino acid position is not well conserved in available vertebrate species. In addition, this alteration is predicted to be tolerated by in silico analysis. Based on the available evidence, the clinical significance of this variant remains unclear.

Labcorp Genetics (formerly Invitae), Labcorp
Classification: Uncertain significance for Neurofibromatosis, type 2. Last evaluated: 2024-11-14. Review status: criteria provided, single submitter. Criteria: Invitae Variant Classification Sherloc (09022015). Collection method: clinical testing. Allele origin: germline.
Comment: This sequence change replaces methionine, which is neutral and non-polar, with valine, which is neutral and non-polar, at codon 375 of the NF2 protein (p.Met375Val). This variant is not present in population databases (gnomAD no frequency). This missense change has been observed in individual(s) with clinical features of NF2-related conditions (PMID: 29409008). ClinVar contains an entry for this variant (Variation ID: 1392495). An algorithm developed to predict the effect of missense changes on protein structure and function (PolyPhen-2) suggests that this variant¬†is likely to be tolerated. In summary, the available evidence is currently insufficient to determine the role of this variant in disease. Therefore, it has been classified as a Variant of Uncertain Significance.

Literature cited by the submitters: PubMed 29409008 (cited by Labcorp Genetics (formerly Invitae), Labcorp).